The following is an entry in ClinVar:

NM_002878.4(RAD51D):c.263+1641C>T

Genes: RAD51D (RAD51 paralog D; minus strand), RAD51L3-RFFL (RAD51L3-RFFL readthrough; minus strand). Cytogenetic location: 17q12.
Variant type: single nucleotide variant.
Coding change: c.263+1641C>T on transcript NM_002878.4 (MANE Select); 1641 bases into the intron after coding-DNA position 263, C replaced by T.
Molecular consequence: intron variant. On other transcripts: missense variant (1).
Genome position (GRCh38, 1-based): chr17:35,116,860, G>A on the plus strand (C>T on the coding strand, the complement: RAD51D is on the minus strand). VCF-style: chr17-35116860-G-A. GRCh37 (hg19) VCF-style: chr17-33443879-G-A.
Other names: c.322C>T, p.Arg108Cys (NM_001142571.2); c.144+2251C>T (NM_133629.3); short protein forms R108C.
Identifiers: ClinVar variation 425128 (VCV000425128.51), dbSNP rs142387263, ClinGen allele CA8499565.

ClinVar aggregate classification (germline): Conflicting classifications of pathogenicity. Review status: criteria provided, conflicting classifications (1 of 4 stars). 6 submissions from 6 submitters: Uncertain significance (4); Likely benign (2). Last evaluated 2024-10-08.

Conditions:
Breast-ovarian cancer, familial, susceptibility to, 4. Identifiers: Orphanet 145, MedGen C3280345, MONDO:0013669, OMIM 614291.

Allele frequency attached by ClinVar (database versions not stated): ExAC 0.00004; gnomAD exomes 0.00004 and 0.00005; gnomAD 0.00006 and 0.00007; TOPMed 0.00006; 1000 Genomes Project 30x 0.00031; 1000 Genomes Project 0.00040.
gnomAD v4.1: 66 of 1,523,974 alleles (0.0043%); highest among the groups gnomAD compares: Middle Eastern, 0.017%; no homozygotes.

Submissions (6):

KCCC/NGS Laboratory, Kuwait Cancer Control Center
Classification: Uncertain significance for Breast-ovarian cancer, familial, susceptibility to, 4. Last evaluated: 2024-10-08. Review status: criteria provided, single submitter. Criteria: ACMG Guidelines, 2015. Collection method: clinical testing. Allele origin: germline. Inheritance: Autosomal dominant inheritance. Affected: yes. Observed: 1 heterozygote.
Comment: This sequence change replaces arginine, which is basic and polar, with cysteine, which is neutral and slightly polar, at codon 108 of the RAD51D protein (p.Arg108Cys). This missense variant located in region of low conservation phyloP = 0.259. This variant previously reported in ClinVar database ( ID: 425128) , ClinVar classifies this variant as Uncertain Significance but a high confidence submitter has classified as Likely Benign. In silico prediction showed benign computational verdict. In summary, the available evidence is currently insufficient to determine the role of this variant in disease. Therefore, it has been classified as a Variant of Uncertain Significance. Pathogenic/likely pathogenic variants in the RAD51D gene are associated with hereditary breast/ovarian cancer (OMIM# 614291).

Blueprint Genetics
Classification: Likely benign. Last evaluated: 2024-09-19. Review status: criteria provided, single submitter. Criteria: ACMG Guidelines, 2015. Collection method: clinical testing. Allele origin: germline.

Labcorp Genetics (formerly Invitae), Labcorp
Classification: Likely benign for Breast-ovarian cancer, familial, susceptibility to, 4. Last evaluated: 2022-10-31. Review status: criteria provided, single submitter. Criteria: Invitae Variant Classification Sherloc (09022015). Collection method: clinical testing. Allele origin: germline.

Fulgent Genetics
Classification: Uncertain significance for Breast-ovarian cancer, familial, susceptibility to, 4. Last evaluated: 2021-11-08. Review status: criteria provided, single submitter. Criteria: ACMG Guidelines, 2015. Collection method: clinical testing. Allele origin: unknown.

Mendelics
Classification: Uncertain significance for Breast-ovarian cancer, familial, susceptibility to, 4. Last evaluated: 2019-05-28. Review status: criteria provided, single submitter. Criteria: Mendelics Assertion Criteria 2017. Collection method: clinical testing. Allele origin: unknown.

CeGaT Center for Human Genetics Tuebingen
Classification: Uncertain significance. Last evaluated: 2017-01-01. Review status: criteria provided, single submitter. Criteria: CeGaT Center For Human Genetics Tuebingen Variant Classification Criteria Version 2. Collection method: clinical testing. Allele origin: germline. Affected: yes. Observed: 1 variant allele.